The following is an entry in ClinVar:

NM_001458.5(FLNC):c.5027G>A (p.Gly1676Glu)

Gene: FLNC (filamin C; plus strand). Cytogenetic location: 7q32.1.
Variant type: single nucleotide variant.
Coding change: c.5027G>A on transcript NM_001458.5 (MANE Select); coding-DNA position 5027, G replaced by A.
Protein change: p.Gly1676Glu; replaces glycine 1676 with glutamic acid.
Molecular consequence: missense variant.
Genome position (GRCh38, 1-based): chr7:128,849,406, G>A. VCF-style: chr7-128849406-G-A. GRCh37 (hg19) VCF-style: chr7-128489460-G-A.
Other names: c.5027G>A, p.Gly1676Glu (NM_001127487.2); short protein forms G1676E.
Identifiers: ClinVar variation 2000899 (VCV002000899.4), dbSNP rs2536650423, ClinGen allele CA369204020.

ClinVar aggregate classification (germline): Uncertain significance (1 of 4 stars; one submission).

Conditions:
Myofibrillar myopathy 5. Also called: Filaminopathy (type); FILAMINOPATHY, AUTOSOMAL DOMINANT. Identifiers: Orphanet 171445, MedGen C1836050, MONDO:0012289, OMIM 609524.
Distal myopathy with posterior leg and anterior hand involvement. Also called: WILLIAMS DISTAL MYOPATHY. Identifiers: Orphanet 63273, MedGen C3279722, MONDO:0013550, OMIM 614065.
Hypertrophic cardiomyopathy 26. Also called: Cardiomyopathy, familial hypertrophic, 26. Identifiers: Orphanet 75249, MedGen C4310749, MONDO:0014883, OMIM 617047.

Allele frequency attached by ClinVar (database versions not stated): gnomAD exomes below 0.00001.
gnomAD v4.1: 2 of 1,614,214 alleles (0.00012%); highest among the groups gnomAD compares: Non-Finnish European, 0.00017%; no homozygotes.

Submission:

Labcorp Genetics (formerly Invitae), Labcorp
Classification: Uncertain significance for Distal myopathy with posterior leg and anterior hand involvement; Myofibrillar myopathy 5; Hypertrophic cardiomyopathy 26. Last evaluated: 2022-05-30. Review status: criteria provided, single submitter. Criteria: Invitae Variant Classification Sherloc (09022015). Collection method: clinical testing. Allele origin: germline.
Comment: In summary, the available evidence is currently insufficient to determine the role of this variant in disease. Therefore, it has been classified as a Variant of Uncertain Significance. Algorithms developed to predict the effect of missense changes on protein structure and function are either unavailable or do not agree on the potential impact of this missense change (SIFT: "Deleterious"; PolyPhen-2: "Probably Damaging"; Align-GVGD: "Class C0"). This variant has not been reported in the literature in individuals affected with FLNC-related conditions. This variant is not present in population databases (gnomAD no frequency). This sequence change replaces glycine, which is neutral and non-polar, with glutamic acid, which is acidic and polar, at codon 1676 of the FLNC protein (p.Gly1676Glu).